The following is an entry in ClinVar:

NM_001126121.2(SLC25A19):c.635A>G (p.Lys212Arg)

Gene: SLC25A19 (solute carrier family 25 member 19; minus strand). Cytogenetic location: 17q25.1.
Variant type: single nucleotide variant.
Coding change: c.635A>G on transcript NM_001126121.2 (MANE Select); coding-DNA position 635, A replaced by G.
Protein change: p.Lys212Arg; replaces lysine 212 with arginine.
Molecular consequence: missense variant.
Genome position (GRCh38, 1-based): chr17:75,278,160, T>C on the plus strand (A>G on the coding strand, the complement: SLC25A19 is on the minus strand). VCF-style: chr17-75278160-T-C. GRCh37 (hg19) VCF-style: chr17-73274241-T-C.
Other names: c.635A>G, p.Lys212Arg (NM_021734.5, NM_001126122.2); c.635A>G (NM_021734.4); short protein forms K212R.
Identifiers: ClinVar variation 1480823 (VCV001480823.8), dbSNP rs970877497, ClinGen allele CA294001323.

ClinVar aggregate classification (germline): Uncertain significance. Review status: criteria provided, multiple submitters, no conflicts (2 of 4 stars). 3 submissions from 3 submitters: Uncertain significance (3). Last evaluated 2025-02-07.

Conditions:
Inborn genetic diseases. Identifiers: MedGen C0950123, MeSH D030342.
Progressive demyelinating neuropathy with bilateral striatal necrosis (THMD4). Also called: Thiamine metabolism dysfunction syndrome 4 (progressive polyneuropathy type); BILATERAL STRIATAL DEGENERATION AND PROGRESSIVE POLYNEUROPATHY; Thiamine Metabolism Dysfunction Syndrome 4 (THMD-4). Identifiers: Orphanet 217396, MedGen C3150973, MONDO:0013382, OMIM 613710.

Allele frequency attached by ClinVar (database versions not stated): gnomAD 0.00007 and 0.00009; gnomAD exomes 0.00001 and 0.00003; TOPMed 0.00008.

Submissions (3):

Ambry Genetics
Classification: Uncertain significance for Inborn genetic diseases. Last evaluated: 2025-02-07. Review status: criteria provided, single submitter. Criteria: Ambry Variant Classification Scheme 2023. Collection method: clinical testing. Allele origin: germline.

Labcorp Genetics (formerly Invitae), Labcorp
Classification: Uncertain significance. Last evaluated: 2022-03-04. Review status: criteria provided, single submitter. Criteria: Invitae Variant Classification Sherloc (09022015). Collection method: clinical testing. Allele origin: germline.
Comment: This variant has not been reported in the literature in individuals affected with SLC25A19-related conditions. This variant is present in population databases (no rsID available, gnomAD 0.03%). This sequence change replaces lysine, which is basic and polar, with arginine, which is basic and polar, at codon 212 of the SLC25A19 protein (p.Lys212Arg). Algorithms developed to predict the effect of missense changes on protein structure and function output the following: SIFT: "Tolerated"; PolyPhen-2: "Benign"; Align-GVGD: "Class C0". The arginine amino acid residue is found in multiple mammalian species, which suggests that this missense change does not adversely affect protein function. In summary, the available evidence is currently insufficient to determine the role of this variant in disease. Therefore, it has been classified as a Variant of Uncertain Significance.

Baylor Genetics
Classification: Uncertain significance for Progressive demyelinating neuropathy with bilateral striatal necrosis. Last evaluated: 2022-01-27. Review status: criteria provided, single submitter. Criteria: ACMG Guidelines, 2015. Collection method: clinical testing. Allele origin: unknown.